The following is an entry in ClinVar:

NM_000090.4(COL3A1):c.4255-224C>T

Gene: COL3A1 (collagen type III alpha 1 chain; plus strand). Cytogenetic location: 2q32.2.
Variant type: single nucleotide variant.
Coding change: c.4255-224C>T on transcript NM_000090.4 (MANE Select); 224 bases into the intron before coding-DNA position 4255, C replaced by T.
Molecular consequence: intron variant.
Genome position (GRCh38, 1-based): chr2:189,011,404, C>T. VCF-style: chr2-189011404-C-T. GRCh37 (hg19) VCF-style: chr2-189876130-C-T.
Identifiers: ClinVar variation 679451 (VCV000679451.1), dbSNP rs74476343, ClinGen allele CA62564820.
Genomic context (GRCh38, chr2:189,011,404, plus strand): 5'-AACCTGTTAGCAATGGCCGGAACCAGGCCTCCTGAGGATGCACTGGTCTATAGCAATTGC[C>T]CTGCTGCATTTACTAAGAATCCTTACAAGGCATTTGTTTAAGAATATTGTTTATCAACTA-3'

ClinVar aggregate classification (germline): Likely benign (1 of 4 stars; one submission).

Allele frequency attached by ClinVar (database versions not stated): gnomAD 0.01451 and 0.01346; TOPMed 0.01503; 1000 Genomes Project 0.01238; 1000 Genomes Project 30x 0.01327.

Submission:

GeneDx
Classification: Likely benign. Last evaluated: 2018-06-14. Review status: criteria provided, single submitter. Criteria: GeneDx Variant Classification (06012015). Collection method: clinical testing. Allele origin: germline. Affected: yes.
Comment: This variant is considered likely benign or benign based on one or more of the following criteria: it is a conservative change, it occurs at a poorly conserved position in the protein, it is predicted to be benign by multiple in silico algorithms, and/or has population frequency not consistent with disease.